The following is an entry in ClinVar:

ClinVar aggregate classification (germline): Benign/Likely benign. Review status: criteria provided, multiple submitters, no conflicts (2 of 4 stars). 13 submissions from 13 submitters: Benign (9); Likely benign (3). 1 of the submissions does not count toward it. Last evaluated 2026-01-20.

Conditions:
Cardiomyopathy (CMYO). Also called: Cardiomyopathies. Identifiers: Orphanet 167848, MedGen C0878544, MONDO:0004994, HP:0001638. Inheritance: Various modes of inheritance.
Hypertrophic cardiomyopathy. Also called: HYPERTROPHIC MYOCARDIOPATHY. Identifiers: Orphanet 217569, MedGen C0007194, MeSH D002312, MONDO:0005045, HP:0001639.
Cardiovascular phenotype. Identifiers: MedGen CN230736.
Hypertrophic cardiomyopathy 16. Identifiers: MedGen C3151204, MONDO:0013455, OMIM 613838.

Allele frequency attached by ClinVar (database versions not stated): ESP Exome Variant Server 0.00015; gnomAD 0.00185; ExAC 0.00270; TOPMed 0.00299; 1000 Genomes Project 30x 0.00593; 1000 Genomes Project 0.00659.
gnomAD v4.1: 1,730 of 1,613,748 alleles (0.11%); highest among the groups gnomAD compares: East Asian, 3.3%; 34 homozygotes.

Submissions (13):

Labcorp Genetics (formerly Invitae), Labcorp
Classification: Benign for Hypertrophic cardiomyopathy. Last evaluated: 2026-01-20. Review status: criteria provided, single submitter. Criteria: Invitae Variant Classification Sherloc (09022015). Collection method: clinical testing. Allele origin: germline.

Fulgent Genetics
Classification: Likely benign for Hypertrophic cardiomyopathy 16. Last evaluated: 2021-10-13. Review status: criteria provided, single submitter. Criteria: ACMG Guidelines, 2015. Collection method: clinical testing. Allele origin: unknown.

Center for Advanced Laboratory Medicine, UC San Diego Health, University of California San Diego
Classification: Benign for Cardiomyopathy; Hypertrophic cardiomyopathy. Last evaluated: 2019-01-31. Review status: criteria provided, single submitter. Criteria: ACMG Guidelines, 2015. Collection method: clinical testing. Allele origin: germline. Affected: yes. Observed: 2 variant alleles.

CHEO Genetics Diagnostic Laboratory, Children's Hospital of Eastern Ontario
Classification: Benign for Cardiomyopathy. Last evaluated: 2018-02-07. Review status: criteria provided, single submitter. Criteria: ACMG Guidelines, 2015. Collection method: clinical testing. Allele origin: germline.

Women's Health and Genetics/Laboratory Corporation of America, LabCorp
Classification: Benign. Last evaluated: 2017-08-25. Review status: criteria provided, single submitter. Criteria: LabCorp Variant Classification Summary - May 2015. Collection method: clinical testing. Allele origin: germline.
Comment: Variant summary: The MYOZ2 c.29A>C (p.Gln10Pro) variant involves the alteration of a conserved nucleotide. 4/4 in silico tools predict a damaging outcome for this variant (SNPsandGO not captured due to low reliability index). This variant was found in 320/118584 control chromosomes (5 homozygotes), predominantly observed in the East Asian subpopulation at a frequency of 0.033583 (287/8546). This frequency is about 1343 times the estimated maximal expected allele frequency of a pathogenic MYOZ2 variant (0.000025), suggesting this is likely a benign polymorphism found primarily in the populations of East Asian origin. In addition, multiple clinical diagnostic laboratories in ClinVar have classified this variant as benign/likely benign. The variant of interest has not, to our knowledge, been reported in affected individuals in literature, nor has it been functionally characterized. Taken together, this variant is classified as benign.

Genome Diagnostics Laboratory, University Medical Center Utrecht
Classification: Benign for Hypertrophic cardiomyopathy 16. Last evaluated: 2017-07-28. Review status: criteria provided, single submitter. Criteria: ACGS Guidelines, 2013. Collection method: clinical testing. Allele origin: germline. Affected: yes. Study: VKGL Data-share Consensus.

Clinical Genetics DNA and cytogenetics Diagnostics Lab, Erasmus MC, Erasmus Medical Center
Classification: Benign for Hypertrophic cardiomyopathy 16. Last evaluated: 2017-05-31. Review status: criteria provided, single submitter. Criteria: ACGS Guidelines, 2013. Collection method: clinical testing. Allele origin: germline. Affected: yes. Study: VKGL Data-share Consensus.

Ambry Genetics
Classification: Benign for Cardiovascular phenotype. Last evaluated: 2016-11-04. Review status: criteria provided, single submitter. Criteria: Ambry Variant Classification Scheme 2023. Collection method: clinical testing. Allele origin: germline.

GeneDx
Classification: Benign. Last evaluated: 2014-11-18. Review status: criteria provided, single submitter. Criteria: GeneDx Variant Classification (06012015). Collection method: clinical testing. Allele origin: germline. Affected: yes.
Comment: This variant is considered likely benign or benign based on one or more of the following criteria: it is a conservative change, it occurs at a poorly conserved position in the protein, it is predicted to be benign by multiple in silico algorithms, and/or has population frequency not consistent with disease.

Biesecker Lab/Clinical Genomics Section, National Institutes of Health
Classification: Likely benign. Last evaluated: 2013-06-24. Review status: criteria provided, single submitter. Criteria: Ng et al. (Circ Cardiovasc Genet. 2013). Collection method: research. Allele origin: unknown. Observed: 3 variant alleles. Study: ClinSeq.
Comment: The study set was not selected for affection status in relation to any cancer. Pathogenicity categories were based on literature curation. See Pubmed ID:23861362 for details.

Medical sequencing

Laboratory for Molecular Medicine, Mass General Brigham Personalized Medicine
Classification: Benign. Last evaluated: 2012-11-20. Review status: criteria provided, single submitter. Criteria: LMM Criteria. Collection method: clinical testing. Allele origin: germline. Observed: 3 variant alleles.
Comment: Gln10Pro in exon 2 of MYOZ2: This variant is not expected to have clinical signi ficance because it has been identified in 4.2% (24/572) of Asian chromosomes fro m a broad population by the 1000 Genomes project (dbSNP rs76757102).

Breakthrough Genomics
Classification: Likely benign. Review status: criteria provided, single submitter. Criteria: ACMG Guidelines, 2015. Collection method: not provided. Allele origin: germline. Inheritance: Autosomal dominant inheritance. Affected: yes.

Clinical Genetics, Academic Medical Center
Classification: Benign. Review status: no assertion criteria provided. Collection method: clinical testing. Allele origin: germline. Affected: yes. Study: VKGL Data-share Consensus. Not counted in ClinVar's aggregate classification.

NM_016599.5(MYOZ2):c.29A>C (p.Gln10Pro)

Gene: MYOZ2 (myozenin 2; plus strand). Cytogenetic location: 4q26.
Variant type: single nucleotide variant.
Coding change: c.29A>C on transcript NM_016599.5 (MANE Select); coding-DNA position 29, A replaced by C.
Protein change: p.Gln10Pro; replaces glutamine 10 with proline.
Molecular consequence: missense variant.
Genome position (GRCh38, 1-based): chr4:119,136,554, A>C. VCF-style: chr4-119136554-A-C. GRCh37 (hg19) VCF-style: chr4-120057709-A-C.
Other names: p.Q10P:CAG>CCG; short protein forms Q10P.
Identifiers: ClinVar variation 45780 (VCV000045780.27), dbSNP rs76757102, ClinGen allele CA238413.